The following is an entry in ClinVar:

ClinVar aggregate classification (germline): Uncertain significance. Review status: criteria provided, multiple submitters, no conflicts (2 of 4 stars). 3 submissions from 3 submitters: Uncertain significance (3). Last evaluated 2025-10-01.

Conditions:
Autosomal recessive limb-girdle muscular dystrophy type 2A (LGMDR1). Also called: Muscular dystrophy, limb-girdle, type 2A, Amish; Limb-girdle muscular dystrophy, type 2A; Calpainopathy; LEYDEN-MOEBIUS MUSCULAR DYSTROPHY; MUSCULAR DYSTROPHY, PELVOFEMORAL. Identifiers: Orphanet 267, MedGen C1869123, MONDO:0009675, OMIM 253600. Disease mechanism: loss of function.
Inborn genetic diseases. Identifiers: MedGen C0950123, MeSH D030342.

gnomAD v4.1: 14 of 1,614,038 alleles (0.00087%); highest among the groups gnomAD compares: South Asian, 0.0022%; no homozygotes.

Submissions (3):

Labcorp Genetics (formerly Invitae), Labcorp
Classification: Uncertain significance for Autosomal recessive limb-girdle muscular dystrophy type 2A. Last evaluated: 2025-10-01. Review status: criteria provided, single submitter. Criteria: Invitae Variant Classification Sherloc (09022015). Collection method: clinical testing. Allele origin: germline.
Comment: This sequence change replaces valine, which is neutral and non-polar, with methionine, which is neutral and non-polar, at codon 557 of the CAPN3 protein (p.Val557Met). This variant is present in population databases (no rsID available, gnomAD 0.003%). This variant has not been reported in the literature in individuals affected with CAPN3-related conditions. ClinVar contains an entry for this variant (Variation ID: 3728035). Invitae Evidence Modeling of protein sequence and biophysical properties (such as structural, functional, and spatial information, amino acid conservation, physicochemical variation, residue mobility, and thermodynamic stability) indicates that this missense variant is not expected to disrupt CAPN3 protein function with a negative predictive value of 80%. In summary, the available evidence is currently insufficient to determine the role of this variant in disease. Therefore, it has been classified as a Variant of Uncertain Significance.

Ambry Genetics
Classification: Uncertain significance for Inborn genetic diseases. Last evaluated: 2025-09-24. Review status: criteria provided, single submitter. Criteria: Ambry Variant Classification Scheme 2023. Collection method: clinical testing. Allele origin: germline.

Blueprint Genetics
Classification: Uncertain significance. Last evaluated: 2023-05-05. Review status: criteria provided, single submitter. Criteria: ACMG Guidelines, 2015. Collection method: clinical testing. Allele origin: germline.

NM_000070.3(CAPN3):c.1669G>A (p.Val557Met)

Gene: CAPN3 (calpain 3; plus strand). Cytogenetic location: 15q15.1.
Variant type: single nucleotide variant.
Coding change: c.1669G>A on transcript NM_000070.3 (MANE Select); coding-DNA position 1669, G replaced by A.
Protein change: p.Val557Met; replaces valine 557 with methionine.
Molecular consequence: missense variant.
Genome position (GRCh38, 1-based): chr15:42,402,926, G>A. VCF-style: chr15-42402926-G-A. GRCh37 (hg19) VCF-style: chr15-42695124-G-A.
Other names: c.1669G>A (NM_000070.2); c.1669G>A, p.Val557Met (NM_024344.2); c.1525G>A, p.Val509Met (NM_173087.2); c.133G>A, p.Val45Met (NM_173088.2); short protein forms V45M, V509M, V557M.
Identifiers: ClinVar variation 3728035 (VCV003728035.4).